The following is an entry in ClinVar:

ClinVar aggregate classification (germline): Pathogenic (1 of 4 stars; one submission).

Conditions:
Gorlin syndrome. Also called: Nevoid Basal Cell Carcinoma Syndrome; Basal cell nevus syndrome. Identifiers: Orphanet 377, MedGen C0004779, MONDO:0007187.

Submission:

Labcorp Genetics (formerly Invitae), Labcorp
Classification: Pathogenic for Gorlin syndrome. Last evaluated: 2019-03-06. Review status: criteria provided, single submitter. Criteria: Invitae Variant Classification Sherloc (09022015). Collection method: clinical testing. Allele origin: germline.
Comment: A gross deletion of the genomic region encompassing the full coding sequence of the PTCH1 gene has been identified. The boundaries of this event are unknown as the deletion extends beyond the assayed region for this gene and therefore may encompass additional genes. Similar deletions of the full coding sequence have been observed in individuals affected with Gorlin syndrome (PMID: 22382802, 17703323). Loss-of-function variants in PTCH1 are known to be pathogenic (PMID: 16301862, 16419085). For these reasons, this variant has been classified as Pathogenic.

Literature cited by the submitters: PubMed 17703323; PubMed 22382802.

NC_000009.12:g.(?_95101697)_(95508371_?)del

Genes: AOPEP (aminopeptidase O (putative); plus strand), FANCC (FA complementation group C; minus strand), PTCH1 (patched 1; minus strand), LOC100507346 (uncharacterized LOC100507346; plus strand), LOC105376156 (uncharacterized LOC105376156; minus strand) and 18 more. Cytogenetic location: 9q22.32.
Variant type: Deletion.
Identifiers: ClinVar variation 657386 (VCV000657386.2).